The following is an entry in ClinVar:

ClinVar aggregate classification (germline): Likely benign. Review status: criteria provided, single submitter (1 of 4 stars). 2 submissions from 2 submitters: Likely benign (1). 1 of the submissions does not count toward it. Last evaluated 2025-12-01.

Conditions:
TANC2-related disorder. Also called: TANC2-related condition.

Allele frequency attached by ClinVar (database versions not stated): TOPMed 0.00002; gnomAD 0.00003.
gnomAD v4.1: 59 of 1,613,788 alleles (0.0037%); highest among the groups gnomAD compares: Admixed American, 0.0067%; no homozygotes.

Submissions (2):

CeGaT Center for Human Genetics Tuebingen
Classification: Likely benign. Last evaluated: 2025-12-01. Review status: criteria provided, single submitter. Criteria: CeGaT Center For Human Genetics Tuebingen Variant Classification Criteria Version 2. Collection method: clinical testing. Allele origin: germline. Affected: yes. Observed: 1 variant allele.
Comment: TANC2: BS2

PreventionGenetics, part of Exact Sciences
Classification: Uncertain significance for TANC2-related condition. Last evaluated: 2023-12-20. Review status: no assertion criteria provided. Collection method: clinical testing. Allele origin: germline. Not counted in ClinVar's aggregate classification.
Comment: The TANC2 c.4597C>A variant is predicted to result in the amino acid substitution p.Pro1533Thr. To our knowledge, this variant has not been reported in the literature. This variant is reported in 0.0089% of alleles in individuals of European (Non-Finnish) descent in gnomAD. At this time, the clinical significance of this variant is uncertain due to the absence of conclusive functional and genetic evidence.

NM_001394998.1(TANC2):c.4849C>A (p.Pro1617Thr)

Gene: TANC2 (tetratricopeptide repeat, ankyrin repeat and coiled-coil containing 2; plus strand). Cytogenetic location: 17q23.3.
Variant type: single nucleotide variant.
Coding change: c.4849C>A on transcript NM_001394998.1 (MANE Select); coding-DNA position 4849, C replaced by A.
Protein change: p.Pro1617Thr; replaces proline 1617 with threonine.
Molecular consequence: missense variant.
Genome position (GRCh38, 1-based): chr17:63,420,579, C>A. VCF-style: chr17-63420579-C-A. GRCh37 (hg19) VCF-style: chr17-61497940-C-A.
Other names: c.4627C>A, p.Pro1543Thr (NM_001411076.1); c.4597C>A, p.Pro1533Thr (NM_025185.4); short protein forms P1533T, P1543T, P1617T.
Identifiers: ClinVar variation 3036539 (VCV003036539.6), dbSNP rs756478162, ClinGen allele CA8698330.